The following is an entry in ClinVar:

ClinVar aggregate classification (germline): Benign (1 of 4 stars; one submission).

Conditions:
Pachyonychia congenita 3 (PC3). Also called: PC-K6a; KRT6A-Related Pachyonychia Congenita. Identifiers: Orphanet 2309, MedGen C3714948, MONDO:0014324, OMIM 615726.

gnomAD v4.1: 5 of 1,613,866 alleles (0.00031%); highest among the groups gnomAD compares: African/African-American, 0.0013%; no homozygotes.

Submission:

Mendelics
Classification: Benign for Pachyonychia congenita 3. Last evaluated: 2025-02-07. Review status: criteria provided, single submitter. Criteria: ACMG Guidelines, 2015. Collection method: clinical testing. Allele origin: unknown.
Comment: This variant is considered likely benign or benign based on one or more of the following: it is predicted to be benign by multiple in silico algorithms, and/or has population frequency not consistent with disease, and/or has normal protein function, and/or has lack of segregation with disease, and/or has been detected in co-occurrence with known pathogenic variant, and/or has lack of disease association in case-control studies, and/or is located in a region inconsistent with a known cause of pathogenicity. GnomAD 4.1.0 frequency 0.000003098 5 homozygotes. Frequency in internal database for tests positives for other diseases.

NM_005554.4(KRT6A):c.1031T>C (p.Ile344Thr)

Gene: KRT6A (keratin 6A; minus strand). Cytogenetic location: 12q13.13.
Variant type: single nucleotide variant.
Coding change: c.1031T>C on transcript NM_005554.4 (MANE Select); coding-DNA position 1031, T replaced by C.
Protein change: p.Ile344Thr; replaces isoleucine 344 with threonine.
Molecular consequence: missense variant.
Genome position (GRCh38, 1-based): chr12:52,490,615, A>G on the plus strand (T>C on the coding strand, the complement: KRT6A is on the minus strand). VCF-style: chr12-52490615-A-G. GRCh37 (hg19) VCF-style: chr12-52884399-A-G.
Other names: short protein forms I344T.
Identifiers: ClinVar variation 3764503 (VCV003764503.1).